The following is an entry in ClinVar:

NM_001277115.2(DNAH11):c.13429_13449dup (p.Thr4483_Lys4484insGluCysProValTyrArgThr)

Genes: CDCA7L (cell division cycle associated 7 like; minus strand), DNAH11 (dynein axonemal heavy chain 11; plus strand). Cytogenetic location: 7p15.3.
Variant type: Duplication.
Coding change: c.13429_13449dup on transcript NM_001277115.2 (MANE Select); coding-DNA positions 13429 to 13449, 21 bases duplicated (GAGTGCCCTGTGTATAGAACC).
Protein change: p.Thr4483_Lys4484insGluCysProValTyrArgThr.
Molecular consequence: inframe insertion. On other transcripts: 3 prime UTR variant (3).
Genome position (GRCh38, 1-based): chr7:21,901,132-21,901,152, GAGTGCCCTGTGTATAGAACC duplicated; duplicating any 21 consecutive bases within chr7:21,901,131-21,901,152 gives the same sequence; the c. name uses the placement nearest the transcript's 3' end. VCF-style (leftmost placement, unchanged base first): chr7-21901130-A-ACGAGTGCCCTGTGTATAGAAC. GRCh37 (hg19) VCF-style: chr7-21940748-A-ACGAGTGCCCTGTGTATAGAAC.
Other names: c.*1171_*1191dup (NM_001127370.3, NM_001127371.3, NM_018719.5).
Identifiers: ClinVar variation 2720779 (VCV002720779.3), dbSNP rs2534165208, ClinGen allele CA2681994550.
Genomic context (GRCh38, chr7:21,901,130, plus strand): 5'-CTATGCCGGTCATCTTTGCAAAAGCCACCCCCGTGGACAGACAAGAAACCAAACAGACCT[A>ACGAGTGCCCTGTGTATAGAAC]CGAGTGCCCTGTGTATAGAACCAAACTGAGAGGCCCCAGCTACATCTGGACCTTCAGGCT-3'

ClinVar aggregate classification (germline): Uncertain significance (1 of 4 stars; one submission).

Conditions:
Primary ciliary dyskinesia. Also called: Ciliary dyskinesia. Identifiers: Orphanet 244, MedGen C0008780, MONDO:0016575, HP:0012265.

Submission:

Labcorp Genetics (formerly Invitae), Labcorp
Classification: Uncertain significance for Primary ciliary dyskinesia. Last evaluated: 2023-11-13. Review status: criteria provided, single submitter. Criteria: Invitae Variant Classification Sherloc (09022015). Collection method: clinical testing. Allele origin: germline.
Comment: This variant, c.13429_13449dup, results in the insertion of 7 amino acid(s) of the DNAH11 protein (p.Glu4477_Thr4483dup), but otherwise preserves the integrity of the reading frame. This variant is not present in population databases (gnomAD no frequency). This variant has been observed in individual(s) with clinical features of primary ciliary dyskinesia (Invitae). In summary, the available evidence is currently insufficient to determine the role of this variant in disease. Therefore, it has been classified as a Variant of Uncertain Significance.